The following is an entry in ClinVar:

NM_004519.4(KCNQ3):c.1800-10T>C

Gene: KCNQ3 (potassium voltage-gated channel subfamily Q member 3; minus strand). Cytogenetic location: 8q24.22.
Variant type: single nucleotide variant.
Coding change: c.1800-10T>C on transcript NM_004519.4 (MANE Select); 10 bases into the intron before coding-DNA position 1800, T replaced by C.
Molecular consequence: intron variant.
Genome position (GRCh38, 1-based): chr8:132,132,274, A>G on the plus strand (T>C on the coding strand, the complement: KCNQ3 is on the minus strand). VCF-style: chr8-132132274-A-G. GRCh37 (hg19) VCF-style: chr8-133144521-A-G.
Other names: c.1440-10T>C (NM_001204824.2).
Identifiers: ClinVar variation 385130 (VCV000385130.10), dbSNP rs774538909, ClinGen allele CA4880575.

ClinVar aggregate classification (germline): Likely benign. Review status: criteria provided, multiple submitters, no conflicts (2 of 4 stars). 3 submissions from 3 submitters: Likely benign (3). Last evaluated 2025-07-20.

Conditions:
Benign neonatal seizures. Also called: Convulsions benign familial neonatal dominant form; Autosomal dominant form of benign neonatal seizures; Benign neonatal familial convulsions; Benign familial neonatal epilepsy; Benign familial neonatal seizures. Identifiers: Orphanet 1949, MedGen C0220669, MONDO:0016027.

Allele frequency attached by ClinVar (database versions not stated): ExAC 0.00002; gnomAD 0.00002; gnomAD exomes 0.00002; TOPMed 0.00002.
gnomAD v4.1: 19 of 1,601,624 alleles (0.0012%); highest among the groups gnomAD compares: Non-Finnish European, 0.0016%; no homozygotes.

Submissions (3):

Labcorp Genetics (formerly Invitae), Labcorp
Classification: Likely benign for Benign neonatal seizures. Last evaluated: 2025-07-20. Review status: criteria provided, single submitter. Criteria: Invitae Variant Classification Sherloc (09022015). Collection method: clinical testing. Allele origin: germline.

Blueprint Genetics
Classification: Likely benign. Last evaluated: 2024-11-18. Review status: criteria provided, single submitter. Criteria: ACMG Guidelines, 2015. Collection method: clinical testing. Allele origin: germline.

GeneDx
Classification: Likely benign. Last evaluated: 2016-04-06. Review status: criteria provided, single submitter. Criteria: GeneDx Variant Classification (06012015). Collection method: clinical testing. Allele origin: germline. Affected: yes.
Comment: This variant is considered likely benign or benign based on one or more of the following criteria: it is a conservative change, it occurs at a poorly conserved position in the protein, it is predicted to be benign by multiple in silico algorithms, and/or has population frequency not consistent with disease.